The following is an entry in ClinVar:

NM_199420.4(POLQ):c.3448G>C (p.Ala1150Pro)

Gene: POLQ (DNA polymerase theta; minus strand). Cytogenetic location: 3q13.33.
Variant type: single nucleotide variant.
Coding change: c.3448G>C on transcript NM_199420.4 (MANE Select); coding-DNA position 3448, G replaced by C.
Protein change: p.Ala1150Pro; replaces alanine 1150 with proline.
Molecular consequence: missense variant.
Genome position (GRCh38, 1-based): chr3:121,489,483, C>G on the plus strand (G>C on the coding strand, the complement: POLQ is on the minus strand). VCF-style: chr3-121489483-C-G. GRCh37 (hg19) VCF-style: chr3-121208330-C-G.
Other names: short protein forms A1150P.
Identifiers: ClinVar variation 4888225 (VCV004888225.1).
Genomic context (GRCh38, chr3:121,489,483, plus strand): 5'-CATTTATTTTTTCTGCCTCAACAGCTACTCCTCTGCCCTTTTCACTAACCACACTAGTGG[C>G]CTGACAAGTCACATTTTTACTCTGAGATCCTGTGACAATATGCTCCACAAAATTATCATT-3'
Protein context (NP_955452.3, residues 1140-1160): GSQSKNVTCQ[Ala1150Pro]TSVVSEKGRG

ClinVar aggregate classification (germline): Uncertain significance (1 of 4 stars; one submission).

Conditions:
Familial cancer of breast. Also called: BREAST CANCER, FAMILIAL; Hereditary breast cancer; hereditary breast carcinoma. Identifiers: Orphanet 227535, MedGen C0346153, MONDO:0016419, OMIM 114480. Disease mechanism: loss of function.

Submission:

Genomic Medicine Laboratory, Hospital de Clinicas de Porto Alegre
Classification: Uncertain significance for Familial cancer of breast. Last evaluated: 2026-08-07. Review status: criteria provided, single submitter. Criteria: ACGS UK Practice Guidelines For Variant Classification V12 2024. Collection method: research. Allele origin: germline. Affected: yes. Observed: 1 variant allele.
Comment: PM2 / BP4 (REVEL <0.4): Absent from controls (or at extremely low frequency if recessive) in Genome Aggregation Database/ Multiple lines of computational evidence suggest no impact on gene or gene product